The following is an entry in ClinVar:

NM_006767.4(LZTR1):c.2098A>C (p.Met700Leu)

Gene: LZTR1 (leucine zipper like post translational regulator 1; plus strand). Cytogenetic location: 22q11.21.
Variant type: single nucleotide variant.
Coding change: c.2098A>C on transcript NM_006767.4 (MANE Select); coding-DNA position 2098, A replaced by C.
Protein change: p.Met700Leu; replaces methionine 700 with leucine.
Molecular consequence: missense variant.
Genome position (GRCh38, 1-based): chr22:20,995,991, A>C. VCF-style: chr22-20995991-A-C. GRCh37 (hg19) VCF-style: chr22-21350280-A-C.
Other names: short protein forms M700L.
Identifiers: ClinVar variation 5023808 (VCV005023808.1).

ClinVar aggregate classification (germline): Uncertain significance (1 of 4 stars; one submission).

Conditions:
Cardiovascular phenotype. Identifiers: MedGen CN230736.
Hereditary cancer-predisposing syndrome. Also called: Neoplastic Syndromes, Hereditary; Tumor predisposition; Hereditary neoplastic syndrome; Hereditary Cancer Syndrome. Identifiers: Orphanet 140162, MedGen C0027672, MeSH D009386, MONDO:0015356.

Submission:

Ambry Genetics
Classification: Uncertain significance for Cardiovascular phenotype; Hereditary cancer-predisposing syndrome. Last evaluated: 2026-09-06. Review status: criteria provided, single submitter. Criteria: Ambry Variant Classification Scheme 2023. Collection method: clinical testing. Allele origin: germline.
Comment: The p.M700L variant (also known as c.2098A>C), located in coding exon 18 of the LZTR1 gene, results from an A to C substitution at nucleotide position 2098. The methionine at codon 700 is replaced by leucine, an amino acid with highly similar properties. This amino acid position is conserved. In addition, the in silico prediction for this alteration is inconclusive. Based on the available evidence, the clinical significance of this variant remains unclear.